The following is an entry in ClinVar:

ClinVar aggregate classification (germline): Uncertain significance. Review status: criteria provided, multiple submitters, no conflicts (2 of 4 stars). 3 submissions from 3 submitters: Uncertain significance (3). Last evaluated 2025-03-29.

Conditions:
Intellectual disability, autosomal dominant 16 (CSS4). Also called: COFFIN-SIRIS SYNDROME 4. Identifiers: Orphanet 1465, MedGen C3553249, MONDO:0013821, OMIM 614609.
Hereditary cancer-predisposing syndrome. Also called: Neoplastic Syndromes, Hereditary; Tumor predisposition; Hereditary Cancer Syndrome; Hereditary neoplastic syndrome. Identifiers: Orphanet 140162, MedGen C0027672, MeSH D009386, MONDO:0015356.
Rhabdoid tumor predisposition syndrome 2 (RTPS2). Identifiers: Orphanet 231108, Orphanet 69077, MedGen C2750074, MONDO:0013224, OMIM 613325.

Submissions (3):

Labcorp Genetics (formerly Invitae), Labcorp
Classification: Uncertain significance for Rhabdoid tumor predisposition syndrome 2. Last evaluated: 2025-03-29. Review status: criteria provided, single submitter. Criteria: Invitae Variant Classification Sherloc (09022015). Collection method: clinical testing. Allele origin: germline.
Comment: This sequence change replaces alanine, which is neutral and non-polar, with serine, which is neutral and polar, at codon 1272 of the SMARCA4 protein (p.Ala1272Ser). This variant is not present in population databases (gnomAD no frequency). This variant has not been reported in the literature in individuals affected with SMARCA4-related conditions. ClinVar contains an entry for this variant (Variation ID: 484930). An algorithm developed to predict the effect of missense changes on protein structure and function (PolyPhen-2) suggests that this variant is likely to be tolerated. In summary, the available evidence is currently insufficient to determine the role of this variant in disease. Therefore, it has been classified as a Variant of Uncertain Significance.

Genome-Nilou Lab
Classification: Uncertain significance for Intellectual disability, autosomal dominant 16. Last evaluated: 2021-07-15. Review status: criteria provided, single submitter. Criteria: ACMG Guidelines, 2015. Collection method: clinical testing. Allele origin: germline. Affected: no.

Ambry Genetics
Classification: Uncertain significance for Hereditary cancer-predisposing syndrome. Last evaluated: 2020-01-22. Review status: criteria provided, single submitter. Criteria: Ambry Variant Classification Scheme 2023. Collection method: clinical testing. Allele origin: germline.
Comment: The p.A1272S variant (also known as c.3814G>T), located in coding exon 26 of the SMARCA4 gene, results from a G to T substitution at nucleotide position 3814. The alanine at codon 1272 is replaced by serine, an amino acid with similar properties. This amino acid position is highly conserved in available vertebrate species. In addition, this alteration is predicted to be tolerated by in silico analysis. Since supporting evidence is limited at this time, the clinical significance of this alteration remains unclear.

NM_003072.5(SMARCA4):c.3814G>T (p.Ala1272Ser)

Gene: SMARCA4 (SWI/SNF related BAF chromatin remodeling complex subunit ATPase 4; plus strand). Cytogenetic location: 19p13.2.
Variant type: single nucleotide variant.
Coding change: c.3814G>T on transcript NM_003072.5 (MANE Select); coding-DNA position 3814, G replaced by T.
Protein change: p.Ala1272Ser; replaces alanine 1272 with serine.
Molecular consequence: missense variant. On other transcripts: intron variant (5).
Genome position (GRCh38, 1-based): chr19:11,033,806, G>T. VCF-style: chr19-11033806-G-T. GRCh37 (hg19) VCF-style: chr19-11144482-G-T.
Other names: c.3814G>T, p.Ala1272Ser (NM_001128844.3, NM_001128849.3, NM_001387283.1); c.3774+289G>T (NM_001128847.4, NM_001374457.1, NM_001128845.2 and 2 more transcripts); short protein forms A1272S.
Identifiers: ClinVar variation 484930 (VCV000484930.14), dbSNP rs776672640, ClinGen allele CA404066570.